The following is an entry in ClinVar:

NM_001371986.1(UNC80):c.2220T>A (p.Gly740=)

Gene: UNC80 (unc-80 subunit of NALCN channel complex; plus strand). Cytogenetic location: 2q34.
Variant type: single nucleotide variant.
Coding change: c.2220T>A on transcript NM_001371986.1 (MANE Select); coding-DNA position 2220, T replaced by A.
Protein change: p.Gly740=; no amino-acid change (glycine 740 retained).
Molecular consequence: synonymous variant.
Genome position (GRCh38, 1-based): chr2:209,820,568, T>A. VCF-style: chr2-209820568-T-A. GRCh37 (hg19) VCF-style: chr2-210685292-T-A.
Other names: c.2220T>A, p.Gly740= (NM_032504.2, NM_182587.4).
Identifiers: ClinVar variation 756685 (VCV000756685.13), dbSNP rs374313755, ClinGen allele CA2083001.
Genomic context (GRCh38, chr2:209,820,568, plus strand): 5'-AGTATCTGGAAGTTCCACCTGTGGATTCGGAGGCCCTGCTGTTAGTGGAGCTGGAGATGG[T>A]GGAGGAGAAGAAGGAGGAGGTGGAGATGGAGGAGGTGGAGGAGGTGATGGAGGAGGAGGT-3'
Protein context (NP_001358915.1, residues 730-750): GGPAVSGAGD[Gly740=]GGEEGGGGDG

ClinVar aggregate classification (germline): Benign/Likely benign. Review status: criteria provided, multiple submitters, no conflicts (2 of 4 stars). 3 submissions from 3 submitters: Benign (1); Likely benign (1). 1 of the submissions does not count toward it. Last evaluated 2026-01-21.

Conditions:
UNC80-related disorder. Also called: UNC80-related condition.

Allele frequency attached by ClinVar (database versions not stated): gnomAD below 0.00001 and 0.00031; TOPMed 0.00005; gnomAD exomes 0.00135; ExAC 0.00294; 1000 Genomes Project 0.00300; 1000 Genomes Project 30x 0.00312.
gnomAD v4.1: 719 of 1,550,950 alleles (0.046%); highest among the groups gnomAD compares: South Asian, 0.79%; 9 homozygotes.

Submissions (3):

Labcorp Genetics (formerly Invitae), Labcorp
Classification: Benign. Last evaluated: 2026-01-21. Review status: criteria provided, single submitter. Criteria: Invitae Variant Classification Sherloc (09022015). Collection method: clinical testing. Allele origin: germline.

Blueprint Genetics
Classification: Likely benign. Last evaluated: 2024-10-08. Review status: criteria provided, single submitter. Criteria: ACMG Guidelines, 2015. Collection method: clinical testing. Allele origin: germline.

PreventionGenetics, part of Exact Sciences
Classification: Benign for UNC80-related condition. Last evaluated: 2019-06-05. Review status: no assertion criteria provided. Collection method: clinical testing. Allele origin: germline. Not counted in ClinVar's aggregate classification.
Comment: This variant is classified as benign based on ACMG/AMP sequence variant interpretation guidelines (Richards et al. 2015 PMID: 25741868, with internal and published modifications).